The following is an entry in ClinVar:

NM_000497.4(CYP11B1):c.410G>A (p.Trp137Ter)

Genes: CYP11B1 (cytochrome P450 family 11 subfamily B member 1; minus strand), LOC106799833 (CYP11B1 recombination region; plus strand). Cytogenetic location: 8q24.3.
Variant type: single nucleotide variant.
Coding change: c.410G>A on transcript NM_000497.4 (MANE Select); coding-DNA position 410, G replaced by A.
Protein change: p.Trp137Ter; replaces tryptophan 137 with a stop codon.
Molecular consequence: nonsense.
Genome position (GRCh38, 1-based): chr8:142,877,208, C>T on the plus strand (G>A on the coding strand, the complement: CYP11B1 is on the minus strand). VCF-style: chr8-142877208-C-T. GRCh37 (hg19) VCF-style: chr8-143958624-C-T.
Other names: c.410G>A, p.Trp137Ter (NM_001026213.1); short protein forms W137*.
Identifiers: ClinVar variation 1725926 (VCV001725926.2), dbSNP rs2130277148, ClinGen allele CA372396209.

ClinVar aggregate classification (germline): Likely pathogenic (1 of 4 stars; one submission).

Conditions:
Deficiency of steroid 11-beta-monooxygenase (CYP11B1). Also called: P450C11B1 DEFICIENCY; STEROID 11-BETA-HYDROXYLASE DEFICIENCY; Congenital adrenal hyperplasia due to 11-beta-hydroxylase deficiency; ADRENAL HYPERPLASIA, CONGENITAL, DUE TO STEROID 11-BETA-HYDROXYLASE DEFICIENCY; 11-BETA-HYDROXYLASE DEFICIENCY; ADRENAL HYPERPLASIA IV. Identifiers: Orphanet 90795, MedGen C0268292, MONDO:0008729, OMIM 202010. Disease mechanism: loss of function.

Submission:

Myriad Genetics, Inc.
Classification: Likely pathogenic for Deficiency of steroid 11-beta-monooxygenase. Last evaluated: 2022-04-15. Review status: criteria provided, single submitter. Criteria: Myriad Women's Health Autosomal Recessive and X-Linked Classification Criteria (2021). Collection method: clinical testing. Allele origin: unknown.
Comment: NM_000497.3(CYP11B1):c.410G>A(W137*) is expected to be pathogenic in the context of congenital adrenal hyperplasia, CYP11B1-related. This variant is predicted to lead to an abnormal or absent protein product due to the creation of a premature termination codon in CYP11B1, a gene where loss-of-function variants are known to be pathogenic. Please note: this variant was assessed in the context of healthy population screening.